The following is an entry in ClinVar:

ClinVar aggregate classification (germline): Likely benign (1 of 4 stars; one submission).

gnomAD v4.1: 1 of 1,535,102 alleles (0.000065%); highest among the groups gnomAD compares: Non-Finnish European, 0.000088%; no homozygotes.

Submission:

CeGaT Center for Human Genetics Tuebingen
Classification: Likely benign. Last evaluated: 2025-12-01. Review status: criteria provided, single submitter. Criteria: CeGaT Center For Human Genetics Tuebingen Variant Classification Criteria Version 2. Collection method: clinical testing. Allele origin: germline. Affected: yes. Observed: 1 variant allele.
Comment: CPLANE1: BP4, BP7

NM_001384732.1(CPLANE1):c.879C>T (p.Leu293=)

Gene: CPLANE1 (ciliogenesis and planar polarity effector complex subunit 1; minus strand). Cytogenetic location: 5p13.2.
Variant type: single nucleotide variant.
Coding change: c.879C>T on transcript NM_001384732.1 (MANE Select); coding-DNA position 879, C replaced by T.
Protein change: p.Leu293=; no amino-acid change (leucine 293 retained).
Molecular consequence: synonymous variant.
Genome position (GRCh38, 1-based): chr5:37,238,916, G>A on the plus strand (C>T on the coding strand, the complement: CPLANE1 is on the minus strand). VCF-style: chr5-37238916-G-A. GRCh37 (hg19) VCF-style: chr5-37239018-G-A.
Other names: c.879C>T, p.Leu293= (NM_023073.4).
Identifiers: ClinVar variation 4682033 (VCV004682033.5).